The following is an entry in ClinVar:

ClinVar aggregate classification (germline): Pathogenic (1 of 4 stars; one submission).

Submission:

Centre of Medical Genetics, University Hospital Muenster
Classification: Pathogenic. Last evaluated: 2025-03-24. Review status: criteria provided, single submitter. Criteria: ACMG Guidelines, 2015. Collection method: clinical testing. Allele origin: unknown. Affected: yes. Observed: 1 variant allele, 1 homozygote.
Comment: ACMG categories: PVS1,PM2,PM3_sup

NM_000350.3(ABCA4):c.2743+1G>A

Gene: ABCA4 (ATP binding cassette subfamily A member 4; minus strand). Cytogenetic location: 1p22.1.
Variant type: single nucleotide variant.
Coding change: c.2743+1G>A on transcript NM_000350.3 (MANE Select); the canonical splice donor site of the intron after coding-DNA position 2743, G replaced by A.
Molecular consequence: splice donor variant.
Genome position (GRCh38, 1-based): chr1:94,048,867, C>T on the plus strand (G>A on the coding strand, the complement: ABCA4 is on the minus strand). VCF-style: chr1-94048867-C-T. GRCh37 (hg19) VCF-style: chr1-94514423-C-T.
Other names: c.2521+1G>A (NM_001425324.1).
Identifiers: ClinVar variation 4526352 (VCV004526352.1).
Genomic context (GRCh38, chr1:94,048,867, plus strand): 5'-CCTCTGCAGTGCTTAGAGCCTTTTCCTCGCCTCTGCTGTGTATTCTTTATCGGGGTTTTA[C>T]CGTGTATTCCTTCTGGGTGCTCTGGATCCTCCGTTTCCTCTGTTAGGGGCTCGGTCTTTT-3'